The following is an entry in ClinVar:

NM_004698.4(PRPF3):c.499A>G (p.Thr167Ala)

Gene: PRPF3 (pre-mRNA processing factor 3; plus strand). Cytogenetic location: 1q21.2.
Variant type: single nucleotide variant.
Coding change: c.499A>G on transcript NM_004698.4 (MANE Select); coding-DNA position 499, A replaced by G.
Protein change: p.Thr167Ala; replaces threonine 167 with alanine.
Molecular consequence: missense variant. On other transcripts: non-coding transcript variant (4).
Genome position (GRCh38, 1-based): chr1:150,332,759, A>G. VCF-style: chr1-150332759-A-G. GRCh37 (hg19) VCF-style: chr1-150305230-A-G.
Other names: c.94A>G, p.Thr32Ala (NM_001350529.1); short protein forms T167A, T32A.
Identifiers: ClinVar variation 2970154 (VCV002970154.3), dbSNP rs782231541, ClinGen allele CA1075444.

ClinVar aggregate classification (germline): Uncertain significance (1 of 4 stars; one submission).

Allele frequency attached by ClinVar (database versions not stated): ExAC 0.00001; gnomAD 0.00001; TOPMed 0.00001.
gnomAD v4.1: 41 of 1,613,880 alleles (0.0025%); highest among the groups gnomAD compares: Non-Finnish European, 0.003%; no homozygotes.

Submission:

Labcorp Genetics (formerly Invitae), Labcorp
Classification: Uncertain significance. Last evaluated: 2024-03-21. Review status: criteria provided, single submitter. Criteria: Invitae Variant Classification Sherloc (09022015). Collection method: clinical testing. Allele origin: germline.
Comment: This sequence change replaces threonine, which is neutral and polar, with alanine, which is neutral and non-polar, at codon 167 of the PRPF3 protein (p.Thr167Ala). This variant is present in population databases (rs782231541, gnomAD 0.002%). This variant has not been reported in the literature in individuals affected with PRPF3-related conditions. Advanced modeling of protein sequence and biophysical properties (such as structural, functional, and spatial information, amino acid conservation, physicochemical variation, residue mobility, and thermodynamic stability) performed at Invitae indicates that this missense variant is not expected to disrupt PRPF3 protein function with a negative predictive value of 80%. In summary, the available evidence is currently insufficient to determine the role of this variant in disease. Therefore, it has been classified as a Variant of Uncertain Significance.